The following is an entry in ClinVar:

NM_020347.4(LZTFL1):c.523-23G>A

Gene: LZTFL1 (leucine zipper transcription factor like 1; minus strand). Cytogenetic location: 3p21.31.
Variant type: single nucleotide variant.
Coding change: c.523-23G>A on transcript NM_020347.4 (MANE Select); 23 bases into the intron before coding-DNA position 523, G replaced by A.
Molecular consequence: intron variant.
Genome position (GRCh38, 1-based): chr3:45,831,013, C>T on the plus strand (G>A on the coding strand, the complement: LZTFL1 is on the minus strand). VCF-style: chr3-45831013-C-T. GRCh37 (hg19) VCF-style: chr3-45872505-C-T.
Other names: c.547-23G>A (NM_001405925.1, NM_001405920.1); c.511-23G>A (NM_001276379.2, NM_001405921.1); c.472-23G>A (NM_001405927.1, NM_001276378.2, NM_001405926.1 and 4 more transcripts); c.457-23G>A (NM_001405924.1); c.523-23G>A (NM_001386452.1).
Identifiers: ClinVar variation 4980009 (VCV004980009.1).
Genomic context (GRCh38, chr3:45,831,013, plus strand): 5'-TTTTCTAGTTTTGACTTTTCATCCAGTGCATTTGTAGCCTATAGTGAAGTTTAAACAAAA[C>T]ACTTTCAGTATTTAATCTGTAGGCAGTTCAATAATTGTGTCAAAACATTTCTCAGTTACC-3'

ClinVar aggregate classification (germline): Likely benign (1 of 4 stars; one submission).

Conditions:
LZTFL1-related disorder. Also called: LZTFL1-related condition.

gnomAD v4.1: 49 of 1,609,120 alleles (0.003%); highest among the groups gnomAD compares: Non-Finnish European, 0.004%; no homozygotes.

Submission:

PreventionGenetics, part of Exact Sciences
Classification: Likely benign for LZTFL1-related condition. Last evaluated: 2025-07-30. Review status: criteria provided, single submitter. Criteria: ACMG Guidelines, 2015. Collection method: clinical testing. Allele origin: germline.
Comment: This variant is classified as likely benign based on ACMG/AMP sequence variant interpretation guidelines (Richards et al. 2015 PMID: 25741868, with internal and published modifications).